The following is an entry in ClinVar:

ClinVar aggregate classification (germline): Uncertain significance (1 of 4 stars; one submission).

gnomAD v4.1: 3 of 1,614,072 alleles (0.00019%); highest among the groups gnomAD compares: Non-Finnish European, 0.00025%; no homozygotes.

Submission:

Labcorp Genetics (formerly Invitae), Labcorp
Classification: Uncertain significance. Last evaluated: 2025-07-23. Review status: criteria provided, single submitter. Criteria: Invitae Variant Classification Sherloc (09022015). Collection method: clinical testing. Allele origin: germline.
Comment: This sequence change replaces methionine, which is neutral and non-polar, with isoleucine, which is neutral and non-polar, at codon 939 of the TRRAP protein (p.Met939Ile). This variant is not present in population databases (gnomAD no frequency). This variant has not been reported in the literature in individuals affected with TRRAP-related conditions. Invitae Evidence Modeling of protein sequence and biophysical properties (such as structural, functional, and spatial information, amino acid conservation, physicochemical variation, residue mobility, and thermodynamic stability) indicates that this missense variant is not expected to disrupt TRRAP protein function with a negative predictive value of 80%. In summary, the available evidence is currently insufficient to determine the role of this variant in disease. Therefore, it has been classified as a Variant of Uncertain Significance.

NM_001375524.1(TRRAP):c.2817G>A (p.Met939Ile)

Gene: TRRAP (transformation/transcription domain associated protein; plus strand). Cytogenetic location: 7q22.1.
Variant type: single nucleotide variant.
Coding change: c.2817G>A on transcript NM_001375524.1 (MANE Select); coding-DNA position 2817, G replaced by A.
Protein change: p.Met939Ile; replaces methionine 939 with isoleucine.
Molecular consequence: missense variant.
Genome position (GRCh38, 1-based): chr7:98,921,947, G>A. VCF-style: chr7-98921947-G-A. GRCh37 (hg19) VCF-style: chr7-98519570-G-A.
Other names: c.2817G>A, p.Met939Ile (NM_001244580.2, NM_003496.4); short protein forms M939I.
Identifiers: ClinVar variation 4707657 (VCV004707657.1).
Genomic context (GRCh38, chr7:98,921,947, plus strand): 5'-TCAGGGCCCCAGCATCACTGTGGAGTTTTCCGACTGCAAAGCTTCTCTCCAGCTCCCCAT[G>A]GAGAAGGTAAGCTCTGTGACAATGTCGTTTCGTTTTAAGCCTTGTGAAGATACTATGTTT-3'
Protein context (NP_001362453.1, residues 929-949): SDCKASLQLP[Met939Ile]EKAIETALDC